The following is an entry in ClinVar:

ClinVar aggregate classification (germline): Uncertain significance (1 of 4 stars; one submission).

Conditions:
Familial adenomatous polyposis 1 (FAP1). Also called: POLYPOSIS, ADENOMATOUS INTESTINAL; FAMILIAL ADENOMATOUS POLYPOSIS 1, ATTENUATED. Identifiers: MedGen C2713442, MONDO:0021056, OMIM 175100. Disease mechanism: loss of function.

Submission:

Labcorp Genetics (formerly Invitae), Labcorp
Classification: Uncertain significance for Familial adenomatous polyposis 1. Last evaluated: 2023-08-27. Review status: criteria provided, single submitter. Criteria: Invitae Variant Classification Sherloc (09022015). Collection method: clinical testing. Allele origin: germline.
Comment: In summary, the available evidence is currently insufficient to determine the role of this variant in disease. Therefore, it has been classified as a Variant of Uncertain Significance. Advanced modeling of protein sequence and biophysical properties (such as structural, functional, and spatial information, amino acid conservation, physicochemical variation, residue mobility, and thermodynamic stability) performed at Invitae indicates that this missense variant is not expected to disrupt APC protein function. This variant has not been reported in the literature in individuals affected with APC-related conditions. This variant is not present in population databases (gnomAD no frequency). This sequence change replaces aspartic acid, which is acidic and polar, with glutamic acid, which is acidic and polar, at codon 397 of the APC protein (p.Asp397Glu).

NM_000038.6(APC):c.1191C>A (p.Asp397Glu)

Gene: APC (APC regulator of Wnt signaling pathway; plus strand). Cytogenetic location: 5q22.2.
Variant type: single nucleotide variant.
Coding change: c.1191C>A on transcript NM_000038.6 (MANE Select); coding-DNA position 1191, C replaced by A.
Protein change: p.Asp397Glu; replaces aspartic acid 397 with glutamic acid.
Molecular consequence: missense variant. On other transcripts: non-coding transcript variant (2), intron variant (15).
Genome position (GRCh38, 1-based): chr5:112,819,223, C>A. VCF-style: chr5-112819223-C-A. GRCh37 (hg19) VCF-style: chr5-112154920-C-A.
Other names: c.1116C>A, p.Asp372Glu (NM_001354898.2, NM_001407451.1); c.1107C>A, p.Asp369Glu (NM_001354899.2, NM_001407452.1); c.1014C>A, p.Asp338Glu (NM_001354900.2, NM_001354901.2, NM_001407453.1); c.342C>A, p.Asp114Glu (NM_001354906.2, NM_001407470.1); c.1221C>A, p.Asp407Glu (NM_001407446.1, NM_001354897.2); c.1191C>A, p.Asp397Glu (NM_001407447.1, NM_001407448.1, NM_001407449.1 and 4 more transcripts); c.85-46C>A (NM_001407472.1, NM_001407471.1); c.934-46C>A (NM_001407456.1, NM_001407460.1, NM_001407457.1 and 5 more transcripts); and 5 more; short protein forms D407E, D114E, D369E, D338E, D379E, D372E, D397E.
Identifiers: ClinVar variation 2755578 (VCV002755578.3), dbSNP rs2149782320, ClinGen allele CA16023913.